The following is an entry in ClinVar:

ClinVar aggregate classification (germline): Uncertain significance. Review status: criteria provided, multiple submitters, no conflicts (2 of 4 stars). 2 submissions from 2 submitters: Uncertain significance (2). Last evaluated 2022-10-04.

Conditions:
Cone-rod dystrophy 6 (CORD6). Also called: RETINAL CONE DYSTROPHY 2; Cone dystrophy progressive. Identifiers: Orphanet 1872, MedGen C1866293, MONDO:0011143, OMIM 601777.
Leber congenital amaurosis 1 (LCA1). Also called: Congenital absence of the rods and cones; Leber's congenital tapetoretinal degeneration; Leber's congenital tapetoretinal dysplasia; RETINAL BLINDNESS, CONGENITAL; AMAUROSIS CONGENITA OF LEBER I. Identifiers: Orphanet 65, MedGen C2931258, MONDO:0008764, OMIM 204000.

Allele frequency attached by ClinVar (database versions not stated): gnomAD exomes below 0.00001; TOPMed below 0.00001; gnomAD 0.00001.

Submissions (2):

Labcorp Genetics (formerly Invitae), Labcorp
Classification: Uncertain significance for Leber congenital amaurosis 1; Cone-rod dystrophy 6. Last evaluated: 2022-10-04. Review status: criteria provided, single submitter. Criteria: Invitae Variant Classification Sherloc (09022015). Collection method: clinical testing. Allele origin: germline.
Comment: This sequence change replaces lysine, which is basic and polar, with asparagine, which is neutral and polar, at codon 813 of the GUCY2D protein (p.Lys813Asn). This variant is present in population databases (no rsID available, gnomAD 0.0009%). This variant has not been reported in the literature in individuals affected with GUCY2D-related conditions. ClinVar contains an entry for this variant (Variation ID: 1042263). Algorithms developed to predict the effect of missense changes on protein structure and function (SIFT, PolyPhen-2, Align-GVGD) all suggest that this variant is likely to be disruptive. In summary, the available evidence is currently insufficient to determine the role of this variant in disease. Therefore, it has been classified as a Variant of Uncertain Significance.

Blueprint Genetics
Classification: Uncertain significance. Last evaluated: 2020-01-23. Review status: criteria provided, single submitter. Criteria: ACMG Guidelines, 2015. Collection method: clinical testing. Allele origin: germline.

NM_000180.4(GUCY2D):c.2439G>C (p.Lys813Asn)

Gene: GUCY2D (guanylate cyclase 2D, retinal; plus strand). Cytogenetic location: 17p13.1.
Variant type: single nucleotide variant.
Coding change: c.2439G>C on transcript NM_000180.4 (MANE Select); coding-DNA position 2439, G replaced by C.
Protein change: p.Lys813Asn; replaces lysine 813 with asparagine.
Molecular consequence: missense variant.
Genome position (GRCh38, 1-based): chr17:8,014,627, G>C. VCF-style: chr17-8014627-G-C. GRCh37 (hg19) VCF-style: chr17-7917945-G-C.
Other names: short protein forms K813N.
Identifiers: ClinVar variation 1042263 (VCV001042263.7), dbSNP rs1477300555, ClinGen allele CA397953440.